The following is an entry in ClinVar:

NM_001256627.2(BRSK2):c.1288-54dup

Gene: BRSK2 (BR serine/threonine kinase 2; plus strand). Cytogenetic location: 11p15.5.
Variant type: Duplication.
Coding change: c.1288-54dup on transcript NM_001256627.2 (MANE Select); 54 bases into the intron before coding-DNA position 1288, one base duplicated (C; older notation c.1288-54dupC).
Molecular consequence: intron variant.
Genome position (GRCh38, 1-based): chr11:1,450,533, C duplicated; the last of 7 consecutive C bases (chr11:1,450,527-1,450,533); duplicating any one gives the same sequence. VCF-style (leftmost placement, unchanged base first): chr11-1450526-G-GC. GRCh37 (hg19) VCF-style: chr11-1471756-G-GC.
Other names: c.1288-54dup (NM_001256629.2, NM_003957.4); c.1108-54dup (NM_001282218.2); c.1426-54dup (NM_001256630.1).
Identifiers: ClinVar variation 2641334 (VCV002641334.24), dbSNP rs559012736, ClinGen allele CA216134867.

ClinVar aggregate classification (germline): Likely benign (1 of 4 stars; one submission).

Submission:

CeGaT Center for Human Genetics Tuebingen
Classification: Likely benign. Last evaluated: 2023-05-01. Review status: criteria provided, single submitter. Criteria: CeGaT Center For Human Genetics Tuebingen Variant Classification Criteria Version 2. Collection method: clinical testing. Allele origin: germline. Affected: yes. Observed: 2 variant alleles.
Comment: BRSK2: BS1